The following is an entry in ClinVar:

NM_020458.4(TTC7A):c.2423G>T (p.Arg808Met)

Gene: TTC7A (tetratricopeptide repeat domain 7A; plus strand). Cytogenetic location: 2p21.
Variant type: single nucleotide variant.
Coding change: c.2423G>T on transcript NM_020458.4 (MANE Select); coding-DNA position 2423, G replaced by T.
Protein change: p.Arg808Met; replaces arginine 808 with methionine.
Molecular consequence: missense variant.
Genome position (GRCh38, 1-based): chr2:47,073,769, G>T. VCF-style: chr2-47073769-G-T. GRCh37 (hg19) VCF-style: chr2-47300908-G-T.
Other names: c.2495G>T, p.Arg832Met (NM_001288951.2); c.2321G>T, p.Arg774Met (NM_001288953.2); c.1361G>T, p.Arg454Met (NM_001288955.2); short protein forms R774M, R832M, R808M, R454M.
Identifiers: ClinVar variation 2176387 (VCV002176387.2), dbSNP rs377401476, ClinGen allele CA1648155.
Genomic context (GRCh38, chr2:47,073,769, plus strand): 5'-TGCTGAGTCGGCTGGGCCACAAGAGCTTGGCCCAGAAGGTGCTTCGTGATGCCGTGGAGA[G>T]GCAGAGTACGTGCCACGAGGCGTGGCAGGGCCTGGGCGAGGTGCTGCAGGCCCAGGGCCA-3'
Protein context (NP_065191.2, residues 798-818): AQKVLRDAVE[Arg808Met]QSTCHEAWQG

ClinVar aggregate classification (germline): Uncertain significance (1 of 4 stars; one submission).

Conditions:
Multiple gastrointestinal atresias. Also called: Multiple intestinal atresia; FAMILIAL INTESTINAL POLYATRESIA SYNDROME. Identifiers: Orphanet 2300, MedGen C0220744, MONDO:0009465.

Allele frequency attached by ClinVar (database versions not stated): ExAC 0.00002; TOPMed 0.00002; ESP Exome Variant Server 0.00008.

Submission:

Labcorp Genetics (formerly Invitae), Labcorp
Classification: Uncertain significance for Multiple gastrointestinal atresias. Last evaluated: 2022-03-18. Review status: criteria provided, single submitter. Criteria: Invitae Variant Classification Sherloc (09022015). Collection method: clinical testing. Allele origin: germline.
Comment: In summary, the available evidence is currently insufficient to determine the role of this variant in disease. Therefore, it has been classified as a Variant of Uncertain Significance. Algorithms developed to predict the effect of missense changes on protein structure and function (SIFT, PolyPhen-2, Align-GVGD) all suggest that this variant is likely to be tolerated. This variant has not been reported in the literature in individuals affected with TTC7A-related conditions. This variant is present in population databases (rs377401476, gnomAD 0.005%). This sequence change replaces arginine, which is basic and polar, with methionine, which is neutral and non-polar, at codon 808 of the TTC7A protein (p.Arg808Met).